The following is an entry in ClinVar:

ClinVar aggregate classification (germline): Uncertain significance. Review status: criteria provided, multiple submitters, no conflicts (2 of 4 stars). 2 submissions from 2 submitters: Uncertain significance (2). Last evaluated 2024-04-24.

Conditions:
Perlman syndrome (PRLMNS). Identifiers: Orphanet 2849, MedGen C0796113, MONDO:0009965, OMIM 267000.

Submissions (2):

Fulgent Genetics
Classification: Uncertain significance for Perlman syndrome. Last evaluated: 2024-04-24. Review status: criteria provided, single submitter. Criteria: ACMG Guidelines, 2015. Collection method: clinical testing. Allele origin: germline.

Labcorp Genetics (formerly Invitae), Labcorp
Classification: Uncertain significance for Perlman syndrome. Last evaluated: 2022-10-05. Review status: criteria provided, single submitter. Criteria: Invitae Variant Classification Sherloc (09022015). Collection method: clinical testing. Allele origin: germline.
Comment: This variant has not been reported in the literature in individuals affected with DIS3L2-related conditions. In summary, the available evidence is currently insufficient to determine the role of this variant in disease. Therefore, it has been classified as a Variant of Uncertain Significance. Algorithms developed to predict the effect of missense changes on protein structure and function output the following: SIFT: "Tolerated"; PolyPhen-2: "Benign"; Align-GVGD: "Class C0". The arginine amino acid residue is found in multiple mammalian species, which suggests that this missense change does not adversely affect protein function. This variant is not present in population databases (gnomAD no frequency). This sequence change replaces lysine, which is basic and polar, with arginine, which is basic and polar, at codon 580 of the DIS3L2 protein (p.Lys580Arg).

NM_152383.5(DIS3L2):c.1739A>G (p.Lys580Arg)

Gene: DIS3L2 (DIS3 like 3'-5' exoribonuclease 2; plus strand). Cytogenetic location: 2q37.1.
Variant type: single nucleotide variant.
Coding change: c.1739A>G on transcript NM_152383.5 (MANE Select); coding-DNA position 1739, A replaced by G.
Protein change: p.Lys580Arg; replaces lysine 580 with arginine.
Molecular consequence: missense variant. On other transcripts: non-coding transcript variant (2), intron variant (1).
Genome position (GRCh38, 1-based): chr2:232,300,119, A>G. VCF-style: chr2-232300119-A-G. GRCh37 (hg19) VCF-style: chr2-233164829-A-G.
Other names: c.1581+36757A>G (NM_001257281.2); short protein forms K580R.
Identifiers: ClinVar variation 2121726 (VCV002121726.5), dbSNP rs2470146194, ClinGen allele CA350978779.
Genomic context (GRCh38, chr2:232,300,119, plus strand): 5'-TGGACCACGAGACCGGATTGCCTCAAGGATGTCATATCTATGAGTACCGCGAGAGCAACA[A>G]GTAAGCCACTCAGTGGGAAAGAGTGTCACTTCACATGTGTGCAGCAGTGGTGCCTGTGGG-3'
Protein context (NP_689596.4, residues 570-590): CHIYEYRESN[Lys580Arg]LVEEFMLLAN